The following is an entry in ClinVar:

NM_016151.4(TAOK2):c.1212G>C (p.Glu404Asp)

Gene: TAOK2 (TAO kinase 2; plus strand). Cytogenetic location: 16p11.2.
Variant type: single nucleotide variant.
Coding change: c.1212G>C on transcript NM_016151.4 (MANE Select); coding-DNA position 1212, G replaced by C.
Protein change: p.Glu404Asp; replaces glutamic acid 404 with aspartic acid.
Molecular consequence: missense variant.
Genome position (GRCh38, 1-based): chr16:29,983,284, G>C. VCF-style: chr16-29983284-G-C. GRCh37 (hg19) VCF-style: chr16-29994605-G-C.
Other names: c.1212G>C, p.Glu404Asp (NM_001252043.2, NM_004783.4); short protein forms E404D.
Identifiers: ClinVar variation 1363740 (VCV001363740.6), dbSNP rs143466363, ClinGen allele CA7998071.
Genomic context (GRCh38, chr16:29,983,284, plus strand): 5'-GGAGGAAGAGGAGGAGGAGGAAGAAGGCCCTGAAGCCCGGGAGATGGCCATGATGCAGGA[G>C]GGGGAGCACACAGTCACCTCTCACAGCTCCATTATCCACCGGCTGCCGGTACACAGCTCA-3'
Protein context (NP_057235.2, residues 394-414): PEAREMAMMQ[Glu404Asp]GEHTVTSHSS

ClinVar aggregate classification (germline): Uncertain significance (1 of 4 stars; one submission).

Allele frequency attached by ClinVar (database versions not stated): gnomAD 0.00013 and 0.00015; TOPMed 0.00014; 1000 Genomes Project 30x 0.00016; 1000 Genomes Project 0.00020; ESP Exome Variant Server 0.00038.
gnomAD v4.1: 715 of 1,604,612 alleles (0.045%); highest among the groups gnomAD compares: Non-Finnish European, 0.055%; 2 homozygotes.

Submission:

Labcorp Genetics (formerly Invitae), Labcorp
Classification: Uncertain significance. Last evaluated: 2026-01-11. Review status: criteria provided, single submitter. Criteria: Invitae Variant Classification Sherloc (09022015). Collection method: clinical testing. Allele origin: germline.
Comment: This sequence change replaces glutamic acid, which is acidic and polar, with aspartic acid, which is acidic and polar, at codon 404 of the TAOK2 protein (p.Glu404Asp). This variant is present in population databases (rs143466363, gnomAD 0.04%), and has an allele count higher than expected for a pathogenic variant. This variant has not been reported in the literature in individuals affected with TAOK2-related conditions. ClinVar contains an entry for this variant (Variation ID: 1363740). An algorithm developed to predict the effect of missense changes on protein structure and function (PolyPhen-2) suggests that this variant is likely to be tolerated. In summary, the available evidence is currently insufficient to determine the role of this variant in disease. Therefore, it has been classified as a Variant of Uncertain Significance.